The following is an entry in ClinVar:

ClinVar aggregate classification (germline): Likely benign. Review status: criteria provided, single submitter (1 of 4 stars). 2 submissions from 2 submitters: Likely benign (1). 1 of the submissions does not count toward it. Last evaluated 2026-08-01.

Conditions:
BRSK2-related disorder. Also called: BRSK2-related condition; BRSK2-Related Disorders.

Allele frequency attached by ClinVar (database versions not stated): 1000 Genomes Project 30x 0.00016; ExAC 0.00042; TOPMed 0.00074; gnomAD 0.00078; ESP Exome Variant Server 0.00108.
gnomAD v4.1: 1,170 of 1,608,362 alleles (0.073%); highest among the groups gnomAD compares: Non-Finnish European, 0.087%; no homozygotes.

Submissions (2):

CeGaT Center for Human Genetics Tuebingen
Classification: Likely benign. Last evaluated: 2026-08-01. Review status: criteria provided, single submitter. Criteria: CeGaT Center For Human Genetics Tuebingen Variant Classification Criteria Version 2. Collection method: clinical testing. Allele origin: germline. Affected: yes. Observed: 2 variant alleles.
Comment: BRSK2: BP4, BP7

PreventionGenetics, part of Exact Sciences
Classification: Likely benign for BRSK2-related condition. Last evaluated: 2023-12-15. Review status: no assertion criteria provided. Collection method: clinical testing. Allele origin: germline. Not counted in ClinVar's aggregate classification.
Comment: This variant is classified as likely benign based on ACMG/AMP sequence variant interpretation guidelines (Richards et al. 2015 PMID: 25741868, with internal and published modifications).

NM_001256627.2(BRSK2):c.1389G>A (p.Thr463=)

Gene: BRSK2 (BR serine/threonine kinase 2; plus strand). Cytogenetic location: 11p15.5.
Variant type: single nucleotide variant.
Coding change: c.1389G>A on transcript NM_001256627.2 (MANE Select); coding-DNA position 1389, G replaced by A.
Protein change: p.Thr463=; no amino-acid change (threonine 463 retained).
Molecular consequence: synonymous variant. On other transcripts: non-coding transcript variant (1).
Genome position (GRCh38, 1-based): chr11:1,450,688, G>A. VCF-style: chr11-1450688-G-A. GRCh37 (hg19) VCF-style: chr11-1471918-G-A.
Other names: c.1389G>A, p.Thr463= (NM_001256629.2, NM_003957.4); c.1527G>A, p.Thr509= (NM_001256630.1); c.1209G>A, p.Thr403= (NM_001282218.2).
Identifiers: ClinVar variation 3048316 (VCV003048316.16), dbSNP rs377410343, ClinGen allele CA5811035.
Genomic context (GRCh38, chr11:1,450,688, plus strand): 5'-CCCCAAGGGGACACCTGTCCACACGCCAAAGGAGAGCCCGGCTGGCACGCCCAACCCCAC[G>A]CCCCCGTCCAGCCCCAGCGTCGGAGGGGTGCCCTGGAGGGCGCGGCTCAACTCCATCAAG-3'
Protein context (NP_001243556.1, residues 453-473): KESPAGTPNP[Thr463=]PPSSPSVGGV